The following is an entry in ClinVar:

ClinVar aggregate classification (germline): Uncertain significance (1 of 4 stars; one submission).

Submission:

Labcorp Genetics (formerly Invitae), Labcorp
Classification: Uncertain significance. Last evaluated: 2022-08-15. Review status: criteria provided, single submitter. Criteria: Invitae Variant Classification Sherloc (09022015). Collection method: clinical testing. Allele origin: germline.
Comment: ClinVar contains an entry for this variant (Variation ID: 1357679). Algorithms developed to predict the effect of missense changes on protein structure and function (SIFT, PolyPhen-2, Align-GVGD) all suggest that this variant is likely to be tolerated. In summary, the available evidence is currently insufficient to determine the role of this variant in disease. Therefore, it has been classified as a Variant of Uncertain Significance. This sequence change replaces glutamine, which is neutral and polar, with proline, which is neutral and non-polar, at codon 237 of the CFAP410 protein (p.Gln237Pro). This variant has not been reported in the literature in individuals affected with CFAP410-related conditions. This variant is not present in population databases (gnomAD no frequency).

NM_004928.3(CFAP410):c.710A>C (p.Gln237Pro)

Gene: CFAP410 (cilia and flagella associated protein 410; minus strand). Cytogenetic location: 21q22.3.
Variant type: single nucleotide variant.
Coding change: c.710A>C on transcript NM_004928.3 (MANE Select); coding-DNA position 710, A replaced by C.
Protein change: p.Gln237Pro; replaces glutamine 237 with proline.
Molecular consequence: missense variant.
Genome position (GRCh38, 1-based): chr21:44,330,259, T>G on the plus strand (A>C on the coding strand, the complement: CFAP410 is on the minus strand). VCF-style: chr21-44330259-T-G. GRCh37 (hg19) VCF-style: chr21-45750142-T-G.
Other names: c.707A>C, p.Gln236Pro (NM_001271440.2); c.1067A>C, p.Gln356Pro (NM_001271441.2); c.584A>C, p.Gln195Pro (NM_001271442.1); short protein forms Q356P, Q236P, Q195P, Q237P.
Identifiers: ClinVar variation 1357679 (VCV001357679.8), dbSNP rs2146053621, ClinGen allele CA410448328.
Genomic context (GRCh38, chr21:44,330,259, plus strand): 5'-CACTCGGCGTGCTCCTGCACCTCTTCCCCACGCAGGGCCTGCAGCCGGCTGCCCACAGTC[T>G]GCTGCACGGCCTCCAGCCCCTCTGCATCCAGCTCCCGCAGCAGCAGCAGGATGGCAGTCA-3'
Protein context (NP_004919.1, residues 227-247): LDAEGLEAVQ[Gln237Pro]TVGSRLQALR